The following is an entry in ClinVar:

ClinVar aggregate classification (germline): Uncertain significance (1 of 4 stars; one submission).

Submission:

Labcorp Genetics (formerly Invitae), Labcorp
Classification: Uncertain significance. Last evaluated: 2025-08-18. Review status: criteria provided, single submitter. Criteria: Invitae Variant Classification Sherloc (09022015). Collection method: clinical testing. Allele origin: germline.
Comment: This sequence change creates a premature translational stop signal (p.His416Cysfs*16) in the NFE2L2 gene. While this is not anticipated to result in nonsense mediated decay, it is expected to disrupt the last 190 amino acid(s) of the NFE2L2 protein. This variant is not present in population databases (gnomAD no frequency). This variant has not been reported in the literature in individuals affected with NFE2L2-related conditions. ClinVar contains an entry for this variant (Variation ID: 2752530). Experimental studies and prediction algorithms are not available or were not evaluated, and the functional significance of this variant is currently unknown. In summary, the available evidence is currently insufficient to determine the role of this variant in disease. Therefore, it has been classified as a Variant of Uncertain Significance.

NM_006164.5(NFE2L2):c.1245_1248del (p.His416fs)

Gene: NFE2L2 (NFE2 like bZIP transcription factor 2; minus strand). Cytogenetic location: 2q31.2.
Variant type: Deletion.
Coding change: c.1245_1248del on transcript NM_006164.5 (MANE Select); coding-DNA positions 1245 to 1248, 4 bases deleted (TCAC; older notation c.1245_1248delTCAC).
Protein change: p.His416fs; shifts the reading frame from histidine 416.
Molecular consequence: frameshift variant.
Genome position (GRCh38, 1-based): chr2:177,231,355-177,231,358, GTGA deleted on the plus strand (TCAC on the coding strand, the reverse complement: NFE2L2 is on the minus strand); deleting any 4 consecutive bases within chr2:177,231,355-177,231,361 gives the same sequence; the c. name uses the placement nearest the transcript's 3' end. VCF-style (leftmost placement, unchanged base first): chr2-177231354-CGTGA-C. GRCh37 (hg19) VCF-style: chr2-178096082-CGTGA-C.
Other names: c.1197_1200del, p.His400fs (NM_001145412.3, NM_001313900.1, NM_001313901.1); c.1176_1179del, p.His393fs (NM_001145413.3); c.1155_1158del, p.His386fs (NM_001313902.2); c.1026_1029del, p.His343fs (NM_001313903.2); c.945_948del, p.His316fs (NM_001313904.1); short protein forms H316fs, H386fs, H343fs, H400fs, H393fs, H416fs.
Identifiers: ClinVar variation 2752530 (VCV002752530.3), dbSNP rs1689541339, ClinGen allele CA1309945054.